The following is an entry in ClinVar:

NM_181471.3(RFC2):c.153C>A (p.Val51=)

Gene: RFC2 (replication factor C subunit 2; minus strand). Cytogenetic location: 7q11.23.
Variant type: single nucleotide variant.
Coding change: c.153C>A on transcript NM_181471.3 (MANE Select); coding-DNA position 153, C replaced by A.
Protein change: p.Val51=; no amino-acid change (valine 51 retained).
Molecular consequence: synonymous variant. On other transcripts: 5 prime UTR variant (3).
Genome position (GRCh38, 1-based): chr7:74,252,459, G>T on the plus strand (C>A on the coding strand, the complement: RFC2 is on the minus strand). VCF-style: chr7-74252459-G-T. GRCh37 (hg19) VCF-style: chr7-73666789-G-T.
Other names: c.-253C>A (NM_001278791.2, NM_001278793.2); c.-50C>A (NM_001278792.2); c.153C>A, p.Val51= (NM_002914.5).
Identifiers: ClinVar variation 4822310 (VCV004822310.4).

ClinVar aggregate classification (germline): Likely benign (1 of 4 stars; one submission).

gnomAD v4.1: 145 of 1,604,880 alleles (0.009%); highest among the groups gnomAD compares: Non-Finnish European, 0.011%; no homozygotes.

Submission:

CeGaT Center for Human Genetics Tuebingen
Classification: Likely benign. Last evaluated: 2026-03-01. Review status: criteria provided, single submitter. Criteria: CeGaT Center For Human Genetics Tuebingen Variant Classification Criteria Version 2. Collection method: clinical testing. Allele origin: germline. Affected: yes. Observed: 1 variant allele.
Comment: RFC2: BP4, BP7